The following is an entry in ClinVar:

NM_006306.4(SMC1A):c.3252C>G (p.Ile1084Met)

Gene: SMC1A (structural maintenance of chromosomes 1A; minus strand). Cytogenetic location: Xp11.22.
Variant type: single nucleotide variant.
Coding change: c.3252C>G on transcript NM_006306.4 (MANE Select); coding-DNA position 3252, C replaced by G.
Protein change: p.Ile1084Met; replaces isoleucine 1084 with methionine.
Molecular consequence: missense variant.
Genome position (GRCh38, 1-based): chrX:53,382,539, G>C on the plus strand (C>G on the coding strand, the complement: SMC1A is on the minus strand). VCF-style: chrX-53382539-G-C. GRCh37 (hg19) VCF-style: chrX-53409460-G-C.
Other names: c.3186C>G, p.Ile1062Met (NM_001281463.1); short protein forms I1084M, I1062M.
Identifiers: ClinVar variation 1036980 (VCV001036980.8), dbSNP rs587784417, ClinGen allele CA413243961.

ClinVar aggregate classification (germline): Uncertain significance (1 of 4 stars; one submission).

Conditions:
Congenital muscular hypertrophy-cerebral syndrome (CDLS2). Also called: SMC1A-Related Cornelia de Lange Syndrome; Cornelia de Lange syndrome 2. Identifiers: Orphanet 199, MedGen C1802395, MONDO:0010370, OMIM 300590.

Submission:

Labcorp Genetics (formerly Invitae), Labcorp
Classification: Uncertain significance for Congenital muscular hypertrophy-cerebral syndrome. Last evaluated: 2020-10-14. Review status: criteria provided, single submitter. Criteria: Invitae Variant Classification Sherloc (09022015). Collection method: clinical testing. Allele origin: germline.
Comment: In summary, the available evidence is currently insufficient to determine the role of this variant in disease. Therefore, it has been classified as a Variant of Uncertain Significance. Advanced modeling of protein sequence and biophysical properties (such as structural, functional, and spatial information, amino acid conservation, physicochemical variation, residue mobility, and thermodynamic stability) performed at Invitae indicates that this missense variant is expected to disrupt SMC1A protein function. This variant has not been reported in the literature in individuals with SMC1A-related conditions. This variant is not present in population databases (ExAC no frequency). This sequence change replaces isoleucine with methionine at codon 1084 of the SMC1A protein (p.Ile1084Met). The isoleucine residue is moderately conserved and there is a small physicochemical difference between isoleucine and methionine.